The following is an entry in ClinVar:

ClinVar aggregate classification (germline): Uncertain significance. Review status: criteria provided, multiple submitters, no conflicts (2 of 4 stars). 6 submissions from 6 submitters: Uncertain significance (6). Last evaluated 2025-10-07.

Conditions:
Breast and/or ovarian cancer. Identifiers: MedGen CN221562.
Hereditary cancer-predisposing syndrome. Also called: Tumor predisposition; Neoplastic Syndromes, Hereditary; Hereditary Cancer Syndrome; Hereditary neoplastic syndrome. Identifiers: Orphanet 140162, MedGen C0027672, MeSH D009386, MONDO:0015356.
Familial cancer of breast. Also called: hereditary breast carcinoma; BREAST CANCER, FAMILIAL; Hereditary breast cancer. Identifiers: Orphanet 227535, MedGen C0346153, MONDO:0016419, OMIM 114480. Disease mechanism: loss of function.

Submissions (6):

Labcorp Genetics (formerly Invitae), Labcorp
Classification: Uncertain significance for Familial cancer of breast. Last evaluated: 2025-10-07. Review status: criteria provided, single submitter. Criteria: Invitae Variant Classification Sherloc (09022015). Collection method: clinical testing. Allele origin: germline.
Comment: This sequence change replaces proline, which is neutral and non-polar, with leucine, which is neutral and non-polar, at codon 266 of the CHEK2 protein (p.Pro266Leu). This variant is not present in population databases (gnomAD no frequency). This variant has not been reported in the literature in individuals affected with CHEK2-related conditions. ClinVar contains an entry for this variant (Variation ID: 187495). An algorithm developed to predict the effect of missense changes on protein structure and function (PolyPhen-2) suggests that this variant is likely to be tolerated. In summary, the available evidence is currently insufficient to determine the role of this variant in disease. Therefore, it has been classified as a Variant of Uncertain Significance.

Ambry Genetics
Classification: Uncertain significance for Hereditary cancer-predisposing syndrome. Last evaluated: 2024-11-05. Review status: criteria provided, single submitter. Criteria: Ambry Variant Classification Scheme 2023. Collection method: clinical testing. Allele origin: germline.
Comment: The p.P266L variant (also known as c.797C>T), located in coding exon 6 of the CHEK2 gene, results from a C to T substitution at nucleotide position 797. The proline at codon 266 is replaced by leucine, an amino acid with similar properties. This alteration was reported as functional in a study assessing CHEK2-complementation through quantification of KAP1 phosphorylation and CHK2 autophosphorylation in human RPE1-CHEK2-knockout cells (Stolarova L et al. Clin Cancer Res, 2023 Aug;29:3037-3050). This amino acid position is well conserved in available vertebrate species. In addition, this alteration is predicted to be tolerated by in silico analysis. Based on the available evidence, the clinical significance of this variant remains unclear.

CeGaT Center for Human Genetics Tuebingen
Classification: Uncertain significance. Last evaluated: 2024-04-01. Review status: criteria provided, single submitter. Criteria: CeGaT Center For Human Genetics Tuebingen Variant Classification Criteria Version 2. Collection method: clinical testing. Allele origin: germline. Affected: yes. Observed: 1 variant allele.
Comment: CHEK2: PM2, BP1, BP4

CHEO Genetics Diagnostic Laboratory, Children's Hospital of Eastern Ontario
Classification: Uncertain significance for Breast and/or ovarian cancer. Last evaluated: 2022-08-31. Review status: criteria provided, single submitter. Criteria: ACMG Guidelines, 2015. Collection method: clinical testing. Allele origin: germline.

Baylor Genetics
Classification: Uncertain significance for Familial cancer of breast. Last evaluated: 2021-08-14. Review status: criteria provided, single submitter. Criteria: ACMG Guidelines, 2015. Collection method: clinical testing. Allele origin: unknown.

Women's Health and Genetics/Laboratory Corporation of America, LabCorp
Classification: Uncertain significance. Last evaluated: 2018-12-04. Review status: criteria provided, single submitter. Criteria: LabCorp Variant Classification Summary - May 2015. Collection method: clinical testing. Allele origin: germline.
Comment: Variant summary: CHEK2 c.797C>T (p.Pro266Leu) results in a non-conservative amino acid change located in the Protein kinase domain of the encoded protein sequence. Three of five in-silico tools predict a benign effect of the variant on protein function. The variant was absent in 245124 control chromosomes (gnomAD). The available data on variant occurrences in the general population are insufficient to allow any conclusion about variant significance. To our knowledge, no occurrence of c.797C>T in individuals affected with Hereditary Breast and Ovarian Cancer and no experimental evidence demonstrating its impact on protein function have been reported. A ClinVar submission from a clinical diagnostic laboratory (evaluation after 2014) cites the variant as uncertain significance. Based on the evidence outlined above, the variant was classified as uncertain significance.

Literature cited by the submitters: PubMed 37449874 (cited by Ambry Genetics).

NM_007194.4(CHEK2):c.797C>T (p.Pro266Leu)

Gene: CHEK2 (checkpoint kinase 2; minus strand). Cytogenetic location: 22q12.1.
Variant type: single nucleotide variant.
Coding change: c.797C>T on transcript NM_007194.4 (MANE Select); coding-DNA position 797, C replaced by T.
Protein change: p.Pro266Leu; replaces proline 266 with leucine.
Molecular consequence: missense variant.
Genome position (GRCh38, 1-based): chr22:28,710,055, G>A on the plus strand (C>T on the coding strand, the complement: CHEK2 is on the minus strand). VCF-style: chr22-28710055-G-A. GRCh37 (hg19) VCF-style: chr22-29106043-G-A.
Other names: c.797C>T, p.Pro266Leu (NM_145862.3); c.926C>T, p.Pro309Leu (NM_001005735.3); c.134C>T, p.Pro45Leu (NM_001257387.3); c.596C>T, p.Pro199Leu (NM_001349956.3); short protein forms P266L, P309L, P45L, P199L.
Identifiers: ClinVar variation 187495 (VCV000187495.38), dbSNP rs786203778, ClinGen allele CA197787.
Genomic context (GRCh38, chr22:28,710,055, plus strand): 5'-ATAATACTTACATGATTTAGCTTTTTCAAAATTTCTATTTCTGTTTCAACATTGAGAGCT[G>A]GGTCCTTTGATAAACAGAATAACAGAGTTTATTAGTAATAATAATTGCCAATATTTAAAA-3'
Protein context (NP_009125.1, residues 256-276): FAIGSAREAD[Pro266Leu]ALNVETEIEI